The following is an entry in ClinVar:

NM_001754.5(RUNX1):c.713T>A (p.Val238Asp)

Gene: RUNX1 (RUNX family transcription factor 1; minus strand). Cytogenetic location: 21q22.12.
Variant type: single nucleotide variant.
Coding change: c.713T>A on transcript NM_001754.5 (MANE Select); coding-DNA position 713, T replaced by A.
Protein change: p.Val238Asp; replaces valine 238 with aspartic acid.
Molecular consequence: missense variant.
Genome position (GRCh38, 1-based): chr21:34,834,502, A>T on the plus strand (T>A on the coding strand, the complement: RUNX1 is on the minus strand). VCF-style: chr21-34834502-A-T. GRCh37 (hg19) VCF-style: chr21-36206799-A-T.
Other names: c.632T>A, p.Val211Asp (NM_001001890.3, NM_001122607.2); short protein forms V211D, V238D.
Identifiers: ClinVar variation 4629709 (VCV004629709.1).

ClinVar aggregate classification (germline): Uncertain significance (1 of 4 stars; one submission).

Conditions:
Inborn genetic diseases. Identifiers: MedGen C0950123, MeSH D030342.

Submission:

Ambry Genetics
Classification: Uncertain significance for Inborn genetic diseases. Last evaluated: 2025-11-09. Review status: criteria provided, single submitter. Criteria: Ambry Variant Classification Scheme 2023. Collection method: clinical testing. Allele origin: germline.
Comment: The p.V238D variant (also known as c.713T>A), located in coding exon 6 of the RUNX1 gene, results from a T to A substitution at nucleotide position 713. The valine at codon 238 is replaced by aspartic acid, an amino acid with highly dissimilar properties. This amino acid position is conserved. In addition, this alteration is predicted to be deleterious by in silico analysis. Based on the available evidence, the clinical significance of this variant remains unclear.